The following is an entry in ClinVar:

ClinVar aggregate classification (germline): Conflicting classifications of pathogenicity. Review status: criteria provided, conflicting classifications (1 of 4 stars). 6 submissions from 6 submitters: Uncertain significance (1); Benign (1); Likely benign (3). 1 of the submissions does not count toward it. Last evaluated 2026-01-06.

Conditions:
ATP2A1-related disorder. Also called: ATP2A1-related condition.
Brody myopathy. Also called: BRODY DISEASE. Identifiers: Orphanet 53347, MedGen C1832918, MONDO:0010977, OMIM 601003.

Allele frequency attached by ClinVar (database versions not stated): ExAC 0.00035; gnomAD exomes 0.00046 and 0.00099; TOPMed 0.00048; gnomAD 0.00051 and 0.00054; ESP Exome Variant Server 0.00062.
gnomAD v4.1: 1,508 of 1,614,106 alleles (0.093%); highest among the groups gnomAD compares: Non-Finnish European, 0.12%; 2 homozygotes.

Submissions (6):

Labcorp Genetics (formerly Invitae), Labcorp
Classification: Likely benign for Brody myopathy. Last evaluated: 2026-01-06. Review status: criteria provided, single submitter. Criteria: Invitae Variant Classification Sherloc (09022015). Collection method: clinical testing. Allele origin: germline.

Mayo Clinic Laboratories, Mayo Clinic
Classification: Likely benign. Last evaluated: 2025-10-22. Review status: criteria provided, single submitter. Criteria: ACMG Guidelines, 2015. Collection method: clinical testing. Allele origin: germline. Observed: 1 variant allele.
Comment: BP4, BP7

Athena Diagnostics
Classification: Benign. Last evaluated: 2024-06-24. Review status: criteria provided, single submitter. Criteria: Athena Diagnostics Criteria. Collection method: clinical testing. Allele origin: unknown.

GeneDx
Classification: Likely benign. Last evaluated: 2020-05-26. Review status: criteria provided, single submitter. Criteria: GeneDx Variant Classification Process June 2021. Collection method: clinical testing. Allele origin: germline. Affected: yes.

Illumina Laboratory Services, Illumina
Classification: Uncertain significance for Brody myopathy. Last evaluated: 2018-01-13. Review status: criteria provided, single submitter. Criteria: ICSL Variant Classification Criteria 13 December 2019. Collection method: clinical testing. Allele origin: germline.

PreventionGenetics, part of Exact Sciences
Classification: Likely benign for ATP2A1-related condition. Last evaluated: 2019-02-22. Review status: no assertion criteria provided. Collection method: clinical testing. Allele origin: germline. Not counted in ClinVar's aggregate classification.
Comment: This variant is classified as likely benign based on ACMG/AMP sequence variant interpretation guidelines (Richards et al. 2015 PMID: 25741868, with internal and published modifications).

NM_004320.6(ATP2A1):c.1560C>T (p.Gly520=)

Gene: ATP2A1 (ATPase sarcoplasmic/endoplasmic reticulum Ca2+ transporting 1; plus strand). Cytogenetic location: 16p11.2.
Variant type: single nucleotide variant.
Coding change: c.1560C>T on transcript NM_004320.6 (MANE Select); coding-DNA position 1560, C replaced by T.
Protein change: p.Gly520=; no amino-acid change (glycine 520 retained).
Molecular consequence: synonymous variant.
Genome position (GRCh38, 1-based): chr16:28,898,247, C>T. VCF-style: chr16-28898247-C-T. GRCh37 (hg19) VCF-style: chr16-28909568-C-T.
Other names: p.Gly520=; c.1560C>T (NM_173201.4, NM_004320.4); c.1185C>T, p.Gly395= (NM_001286075.2); c.1560C>T, p.Gly520= (NM_173201.5).
Identifiers: ClinVar variation 318776 (VCV000318776.23), dbSNP rs138565447, ClinGen allele CA7987020.
Genomic context (GRCh38, chr16:28,898,247, plus strand): 5'-CCTGGAAGGAAAGTGGTGGTCTCTGAATGCTGTTCTGGTCTCCTAGGGTGCCCCTGAGGG[C>T]GTCATCGACCGCTGTAACTATGTGCGAGTTGGCACCACCCGGGTGCCACTGACGGGGCCG-3'
Protein context (NP_004311.1, residues 510-530): NKMFVKGAPE[Gly520=]VIDRCNYVRV